The following is an entry in ClinVar:

ClinVar aggregate classification (germline): Uncertain significance (1 of 4 stars; one submission).

Conditions:
Achondrogenesis, type IA (ACG1A). Identifiers: Orphanet 932, Orphanet 93299, MedGen C0265273, MONDO:0008701, OMIM 200600.

Allele frequency attached by ClinVar (database versions not stated): TOPMed 0.00004; gnomAD 0.00005; gnomAD exomes 0.00005 and 0.00006; ExAC 0.00008; ESP Exome Variant Server 0.00031.

Submission:

Labcorp Genetics (formerly Invitae), Labcorp
Classification: Uncertain significance for Achondrogenesis, type IA. Last evaluated: 2024-05-24. Review status: criteria provided, single submitter. Criteria: Invitae Variant Classification Sherloc (09022015). Collection method: clinical testing. Allele origin: germline.
Comment: This sequence change replaces lysine, which is basic and polar, with glutamine, which is neutral and polar, at codon 103 of the TRIP11 protein (p.Lys103Gln). This variant is present in population databases (rs147048571, gnomAD 0.01%). This variant has not been reported in the literature in individuals affected with TRIP11-related conditions. ClinVar contains an entry for this variant (Variation ID: 1394401). Advanced modeling of protein sequence and biophysical properties (such as structural, functional, and spatial information, amino acid conservation, physicochemical variation, residue mobility, and thermodynamic stability) performed at Invitae indicates that this missense variant is not expected to disrupt TRIP11 protein function with a negative predictive value of 80%. In summary, the available evidence is currently insufficient to determine the role of this variant in disease. Therefore, it has been classified as a Variant of Uncertain Significance.

NM_004239.4(TRIP11):c.307A>C (p.Lys103Gln)

Gene: TRIP11 (thyroid hormone receptor interactor 11; minus strand). Cytogenetic location: 14q32.12.
Variant type: single nucleotide variant.
Coding change: c.307A>C on transcript NM_004239.4 (MANE Select); coding-DNA position 307, A replaced by C.
Protein change: p.Lys103Gln; replaces lysine 103 with glutamine.
Molecular consequence: missense variant.
Genome position (GRCh38, 1-based): chr14:92,025,315, T>G on the plus strand (A>C on the coding strand, the complement: TRIP11 is on the minus strand). VCF-style: chr14-92025315-T-G. GRCh37 (hg19) VCF-style: chr14-92491659-T-G.
Other names: c.304A>C, p.Lys102Gln (NM_001321851.1); short protein forms K103Q, K102Q.
Identifiers: ClinVar variation 1394401 (VCV001394401.5), dbSNP rs147048571, ClinGen allele CA7314234.